The following is an entry in ClinVar:

ClinVar aggregate classification (germline): Uncertain significance. Review status: criteria provided, multiple submitters, no conflicts (2 of 4 stars). 2 submissions from 2 submitters: Uncertain significance (2). Last evaluated 2025-04-01.

Conditions:
Charcot-Marie-Tooth disease axonal type 2O. Also called: Charcot-Marie-Tooth disease, axonal, type 20; CHARCOT-MARIE-TOOTH NEUROPATHY, AXONAL, TYPE 2O; CHARCOT-MARIE-TOOTH DISEASE, AXONAL, AUTOSOMAL DOMINANT, TYPE 2O; Charcot-Marie-Tooth Neuropathy Type 2O. Identifiers: Orphanet 284232, MedGen C3280220, MONDO:0013644, OMIM 614228.

Submissions (2):

GeneDx
Classification: Uncertain significance. Last evaluated: 2025-04-01. Review status: criteria provided, single submitter. Criteria: GeneDx Variant Classification Process June 2021. Collection method: clinical testing. Allele origin: germline. Affected: yes.
Comment: Not observed at significant frequency in large population cohorts (gnomAD); In silico analysis supports that this missense variant has a deleterious effect on protein structure/function; Has not been previously published as pathogenic or benign to our knowledge; This variant is associated with the following publications: (PMID: 25512093, 25609763, 26100331)

Labcorp Genetics (formerly Invitae), Labcorp
Classification: Uncertain significance for Charcot-Marie-Tooth disease axonal type 2O. Last evaluated: 2024-11-29. Review status: criteria provided, single submitter. Criteria: Invitae Variant Classification Sherloc (09022015). Collection method: clinical testing. Allele origin: germline.
Comment: This sequence change replaces arginine, which is basic and polar, with proline, which is neutral and non-polar, at codon 2060 of the DYNC1H1 protein (p.Arg2060Pro). This variant is not present in population databases (gnomAD no frequency). This variant has not been reported in the literature in individuals affected with DYNC1H1-related conditions. Invitae Evidence Modeling of protein sequence and biophysical properties (such as structural, functional, and spatial information, amino acid conservation, physicochemical variation, residue mobility, and thermodynamic stability) has been performed for this missense variant. However, the output from this modeling did not meet the statistical confidence thresholds required to predict the impact of this variant on DYNC1H1 protein function. In summary, the available evidence is currently insufficient to determine the role of this variant in disease. Therefore, it has been classified as a Variant of Uncertain Significance.

NM_001376.5(DYNC1H1):c.6179G>C (p.Arg2060Pro)

Gene: DYNC1H1 (dynein cytoplasmic 1 heavy chain 1; plus strand). Cytogenetic location: 14q32.31.
Variant type: single nucleotide variant.
Coding change: c.6179G>C on transcript NM_001376.5 (MANE Select); coding-DNA position 6179, G replaced by C.
Protein change: p.Arg2060Pro; replaces arginine 2060 with proline.
Molecular consequence: missense variant.
Genome position (GRCh38, 1-based): chr14:102,010,044, G>C. VCF-style: chr14-102010044-G-C. GRCh37 (hg19) VCF-style: chr14-102476381-G-C.
Other names: short protein forms R2060P.
Identifiers: ClinVar variation 3636152 (VCV003636152.3).